The following is an entry in ClinVar:

ClinVar aggregate classification (germline): Uncertain significance (1 of 4 stars; one submission).

Submission:

Labcorp Genetics (formerly Invitae), Labcorp
Classification: Uncertain significance. Last evaluated: 2020-12-27. Review status: criteria provided, single submitter. Criteria: Invitae Variant Classification Sherloc (09022015). Collection method: clinical testing. Allele origin: germline.
Comment: In summary, the available evidence is currently insufficient to determine the role of this variant in disease. Therefore, it has been classified as a Variant of Uncertain Significance. Algorithms developed to predict the effect of missense changes on protein structure and function output the following: SIFT: "Deleterious"; PolyPhen-2: "Not Available"; Align-GVGD: "Class C0". The asparagine amino acid residue is found in multiple mammalian species, suggesting that this missense change does not adversely affect protein function. These predictions have not been confirmed by published functional studies and their clinical significance is uncertain. This variant has not been reported in the literature in individuals with PDZD7-related conditions. This variant is not present in population databases (ExAC no frequency). This sequence change replaces aspartic acid with asparagine at codon 400 of the PDZD7 protein (p.Asp400Asn). The aspartic acid residue is moderately conserved and there is a small physicochemical difference between aspartic acid and asparagine.

NM_001195263.2(PDZD7):c.1198G>A (p.Asp400Asn)

Gene: PDZD7 (PDZ domain containing 7; minus strand). Cytogenetic location: 10q24.31.
Variant type: single nucleotide variant.
Coding change: c.1198G>A on transcript NM_001195263.2 (MANE Select); coding-DNA position 1198, G replaced by A.
Protein change: p.Asp400Asn; replaces aspartic acid 400 with asparagine.
Molecular consequence: missense variant.
Genome position (GRCh38, 1-based): chr10:101,018,948, C>T on the plus strand (G>A on the coding strand, the complement: PDZD7 is on the minus strand). VCF-style: chr10-101018948-C-T. GRCh37 (hg19) VCF-style: chr10-102778705-C-T.
Other names: c.1198G>A, p.Asp400Asn (NM_001351044.2, NM_024895.5); short protein forms D400N.
Identifiers: ClinVar variation 1498047 (VCV001498047.8), dbSNP rs2134057179, ClinGen allele CA378228555.